The following is an entry in ClinVar:

ClinVar aggregate classification (germline): Uncertain significance (1 of 4 stars; one submission).

Conditions:
Mucopolysaccharidosis type 1. Also called: IDUA deficiency; MPS I. Identifiers: Orphanet 579, MedGen C0023786, MONDO:0001586.

gnomAD v4.1: 1 of 1,612,366 alleles (0.000062%); highest among the groups gnomAD compares: Non-Finnish European, 0.000085%; no homozygotes.

Submission:

Labcorp Genetics (formerly Invitae), Labcorp
Classification: Uncertain significance for Mucopolysaccharidosis type 1. Last evaluated: 2021-08-28. Review status: criteria provided, single submitter. Criteria: Invitae Variant Classification Sherloc (09022015). Collection method: clinical testing. Allele origin: germline.
Comment: This sequence change replaces proline with leucine at codon 54 of the IDUA protein (p.Pro54Leu). The proline residue is highly conserved and there is a moderate physicochemical difference between proline and leucine. This variant is not present in population databases (ExAC no frequency). This variant has not been reported in the literature in individuals affected with IDUA-related conditions. Algorithms developed to predict the effect of missense changes on protein structure and function are either unavailable or do not agree on the potential impact of this missense change (SIFT: "Deleterious"; PolyPhen-2: "Probably Damaging"; Align-GVGD: "Class C0"). In summary, the available evidence is currently insufficient to determine the role of this variant in disease. Therefore, it has been classified as a Variant of Uncertain Significance.

NM_000203.5(IDUA):c.161C>T (p.Pro54Leu)

Genes: IDUA (alpha-L-iduronidase; plus strand), SLC26A1 (solute carrier family 26 member 1; minus strand). Cytogenetic location: 4p16.3.
Variant type: single nucleotide variant.
Coding change: c.161C>T on transcript NM_000203.5 (MANE Select); coding-DNA position 161, C replaced by T.
Protein change: p.Pro54Leu; replaces proline 54 with leucine.
Molecular consequence: missense variant. On other transcripts: 3 prime UTR variant (2), non-coding transcript variant (1), intron variant (1).
Genome position (GRCh38, 1-based): chr4:987,811, C>T. VCF-style: chr4-987811-C-T. GRCh37 (hg19) VCF-style: chr4-981599-C-T.
Other names: c.*1022G>A (NM_213613.4, NM_022042.4); c.576+3317G>A (NM_134425.4); short protein forms P54L.
Identifiers: ClinVar variation 1468275 (VCV001468275.5), dbSNP rs2153015595, ClinGen allele CA355946002.
Genomic context (GRCh38, chr4:987,811, plus strand): 5'-AGCCGCGCTGCCAGCCATGCTGAGGCTCGGGACTGAGCCGCCCCTTTGTTGTCCCCAGCC[C>T]CCCGCTGCCACACAGCCAGGCTGACCAGTACGTCCTCAGCTGGGACCAGCAGCTCAACCT-3'
Protein context (NP_000194.2, residues 44-64): RRFWRSTGFC[Pro54Leu]PLPHSQADQY